The following is an entry in ClinVar:

NM_000435.3(NOTCH3):c.171G>C (p.Gln57His)

Gene: NOTCH3 (notch receptor 3; minus strand). Cytogenetic location: 19p13.12.
Variant type: single nucleotide variant.
Coding change: c.171G>C on transcript NM_000435.3 (MANE Select); coding-DNA position 171, G replaced by C.
Protein change: p.Gln57His; replaces glutamine 57 with histidine.
Molecular consequence: missense variant.
Genome position (GRCh38, 1-based): chr19:15,197,526, C>G on the plus strand (G>C on the coding strand, the complement: NOTCH3 is on the minus strand). VCF-style: chr19-15197526-C-G. GRCh37 (hg19) VCF-style: chr19-15308337-C-G.
Other names: short protein forms Q57H.
Identifiers: ClinVar variation 1330220 (VCV001330220.4), dbSNP rs755917588, ClinGen allele CA9263980.

ClinVar aggregate classification (germline): Likely benign (1 of 4 stars; one submission).

Conditions:
Cerebral arteriopathy, autosomal dominant, with subcortical infarcts and leukoencephalopathy, type 1 (CADASIL1). Also called: DEMENTIA, HEREDITARY MULTIINFARCT TYPE; CADASIL 1; CASIL; Cerebral arteriopathy with subcortical infarcts and leukoencephalopathy 1. Identifiers: Orphanet 136, MedGen C4551768, MONDO:0000914, OMIM 125310.

Allele frequency attached by ClinVar (database versions not stated): gnomAD 0.00004.
gnomAD v4.1: 14 of 1,610,004 alleles (0.00087%); highest among the groups gnomAD compares: Non-Finnish European, 0.0012%; no homozygotes.

Submission:

CeGaT Center for Human Genetics Tuebingen
Classification: Likely benign. Last evaluated: 2026-07-01. Review status: criteria provided, single submitter. Criteria: CeGaT Center For Human Genetics Tuebingen Variant Classification Criteria Version 2. Collection method: clinical testing. Allele origin: germline. Affected: yes. Observed: 1 variant allele.
Comment: NOTCH3: PM1, BS2